The following is an entry in ClinVar:

ClinVar aggregate classification (germline): Uncertain significance (1 of 4 stars; one submission).

Allele frequency attached by ClinVar (database versions not stated): gnomAD 0.00001; TOPMed 0.00001; ExAC 0.00002; gnomAD exomes 0.00002.
gnomAD v4.1: 24 of 1,609,650 alleles (0.0015%); highest among the groups gnomAD compares: Non-Finnish European, 0.002%; no homozygotes.

Submission:

Labcorp Genetics (formerly Invitae), Labcorp
Classification: Uncertain significance. Last evaluated: 2024-10-30. Review status: criteria provided, single submitter. Criteria: Invitae Variant Classification Sherloc (09022015). Collection method: clinical testing. Allele origin: germline.
Comment: This sequence change replaces glutamine, which is neutral and polar, with histidine, which is basic and polar, at codon 1110 of the TOP2B protein (p.Gln1110His). This variant is present in population databases (rs746482048, gnomAD 0.004%). This variant has not been reported in the literature in individuals affected with TOP2B-related conditions. ClinVar contains an entry for this variant (Variation ID: 2984666). An algorithm developed to predict the effect of missense changes on protein structure and function (PolyPhen-2) suggests that this variant is likely to be tolerated. In summary, the available evidence is currently insufficient to determine the role of this variant in disease. Therefore, it has been classified as a Variant of Uncertain Significance.

NM_001330700.2(TOP2B):c.3345A>C (p.Gln1115His)

Gene: TOP2B (DNA topoisomerase II beta; minus strand). Cytogenetic location: 3p24.2.
Variant type: single nucleotide variant.
Coding change: c.3345A>C on transcript NM_001330700.2 (MANE Select); coding-DNA position 3345, A replaced by C.
Protein change: p.Gln1115His; replaces glutamine 1115 with histidine.
Molecular consequence: missense variant.
Genome position (GRCh38, 1-based): chr3:25,618,424, T>G on the plus strand (A>C on the coding strand, the complement: TOP2B is on the minus strand). VCF-style: chr3-25618424-T-G. GRCh37 (hg19) VCF-style: chr3-25659915-T-G.
Other names: c.3330A>C, p.Gln1110His (NM_001068.3); short protein forms Q1110H, Q1115H.
Identifiers: ClinVar variation 2984666 (VCV002984666.3), dbSNP rs746482048, ClinGen allele CA2288335.
Genomic context (GRCh38, chr3:25,618,424, plus strand): 5'-TTTGGAAGTTGCTTTTAAAAGCTTCTCTGAATGTCTTTTTCTGCAAATGATTACCTTTTC[T>G]TGTGCTTCTTTCCAGGCTTTCACTGGGTCAGATTCATAACCTCTCTGGACTAACATTTGA-3'
Protein context (NP_001317629.1, residues 1105-1125): SDPVKAWKEA[Gln1115His]EKAAEEDETQ